The following is an entry in ClinVar:

NM_000057.4(BLM):c.650A>C (p.Gln217Pro)

Gene: BLM (BLM RecQ like helicase; plus strand). Cytogenetic location: 15q26.1.
Variant type: single nucleotide variant.
Coding change: c.650A>C on transcript NM_000057.4 (MANE Select); coding-DNA position 650, A replaced by C.
Protein change: p.Gln217Pro; replaces glutamine 217 with proline.
Molecular consequence: missense variant. On other transcripts: 5 prime UTR variant (1).
Genome position (GRCh38, 1-based): chr15:90,749,918, A>C. VCF-style: chr15-90749918-A-C. GRCh37 (hg19) VCF-style: chr15-91293148-A-C.
Other names: c.650A>C, p.Gln217Pro (NM_001287246.2, NM_001287247.2); c.-642A>C (NM_001287248.2); short protein forms Q217P.
Identifiers: ClinVar variation 1015477 (VCV001015477.6), dbSNP rs1895630967, ClinGen allele CA393841253.

ClinVar aggregate classification (germline): Uncertain significance (1 of 4 stars; one submission).

Conditions:
Bloom syndrome (BLM). Also called: Bloom-Torre-Machacek syndrome. Identifiers: Orphanet 125, MedGen C0005859, MONDO:0008876, OMIM 210900.

gnomAD v4.1: 3 of 1,613,498 alleles (0.00019%); highest among the groups gnomAD compares: African/African-American, 0.0027%; no homozygotes.

Submission:

Labcorp Genetics (formerly Invitae), Labcorp
Classification: Uncertain significance for Bloom syndrome. Last evaluated: 2021-08-27. Review status: criteria provided, single submitter. Criteria: Invitae Variant Classification Sherloc (09022015). Collection method: clinical testing. Allele origin: germline.
Comment: This sequence change replaces glutamine with proline at codon 217 of the BLM protein (p.Gln217Pro). The glutamine residue is weakly conserved and there is a moderate physicochemical difference between glutamine and proline. This variant is not present in population databases (ExAC no frequency). This variant has not been reported in the literature in individuals affected with BLM-related conditions. Algorithms developed to predict the effect of missense changes on protein structure and function output the following: SIFT: "Tolerated"; PolyPhen-2: "Benign"; Align-GVGD: "Class C0". The proline amino acid residue is found in multiple mammalian species, which suggests that this missense change does not adversely affect protein function. In summary, the available evidence is currently insufficient to determine the role of this variant in disease. Therefore, it has been classified as a Variant of Uncertain Significance.